The following is an entry in ClinVar:

ClinVar aggregate classification (germline): Uncertain significance. Review status: criteria provided, multiple submitters, no conflicts (2 of 4 stars). 2 submissions from 2 submitters: Uncertain significance (2). Last evaluated 2023-01-31.

Allele frequency attached by ClinVar (database versions not stated): gnomAD exomes below 0.00001.
gnomAD v4.1: 2 of 1,614,116 alleles (0.00012%); highest among the groups gnomAD compares: Non-Finnish European, 0.00017%; no homozygotes.

Submissions (2):

Blueprint Genetics
Classification: Uncertain significance. Last evaluated: 2023-01-31. Review status: criteria provided, single submitter. Criteria: ACMG Guidelines, 2015. Collection method: clinical testing. Allele origin: germline.

Labcorp Genetics (formerly Invitae), Labcorp
Classification: Uncertain significance. Last evaluated: 2022-07-06. Review status: criteria provided, single submitter. Criteria: Invitae Variant Classification Sherloc (09022015). Collection method: clinical testing. Allele origin: germline.
Comment: This variant is not present in population databases (gnomAD no frequency). This sequence change creates a premature translational stop signal (p.Arg111*) in the SLC7A14 gene. It is expected to result in an absent or disrupted protein product. However, the current clinical and genetic evidence is not sufficient to establish whether loss-of-function variants in SLC7A14 cause disease. This variant has not been reported in the literature in individuals affected with SLC7A14-related conditions. In summary, the available evidence is currently insufficient to determine the role of this variant in disease. Therefore, it has been classified as a Variant of Uncertain Significance. ClinVar contains an entry for this variant (Variation ID: 1045405).

NM_020949.3(SLC7A14):c.331C>T (p.Arg111Ter)

Genes: SLC7A14 (solute carrier family 7 member 14; minus strand), SLC7A14-AS1 (SLC7A14 antisense RNA 1; plus strand). Cytogenetic location: 3q26.2.
Variant type: single nucleotide variant.
Coding change: c.331C>T on transcript NM_020949.3 (MANE Select); coding-DNA position 331, C replaced by T.
Protein change: p.Arg111Ter; replaces arginine 111 with a stop codon.
Molecular consequence: nonsense.
Genome position (GRCh38, 1-based): chr3:170,501,319, G>A on the plus strand (C>T on the coding strand, the complement: SLC7A14 is on the minus strand). VCF-style: chr3-170501319-G-A. GRCh37 (hg19) VCF-style: chr3-170219108-G-A.
Other names: short protein forms R111*.
Identifiers: ClinVar variation 1045405 (VCV001045405.7), dbSNP rs1712602406, ClinGen allele CA355517528.